The following is an entry in ClinVar:

ClinVar aggregate classification (germline): Pathogenic (1 of 4 stars; one submission).

Conditions:
Ataxia-telangiectasia syndrome (AT). Also called: Ataxia-telangiectasia; LOUIS-BAR SYNDROME; Ataxia-telangiectasia, complementation group D; AT, COMPLEMENTATION GROUP C; ATAXIA-TELANGIECTASIA, COMPLEMENTATION GROUP A; ATAXIA-TELANGIECTASIA, FRESNO VARIANT. Identifiers: Orphanet 100, MedGen C0004135, MONDO:0008840, OMIM 208900.

Submission:

Labcorp Genetics (formerly Invitae), Labcorp
Classification: Pathogenic for Ataxia-telangiectasia syndrome. Last evaluated: 2021-10-08. Review status: criteria provided, single submitter. Criteria: Invitae Variant Classification Sherloc (09022015). Collection method: clinical testing. Allele origin: germline.
Comment: For these reasons, this variant has been classified as Pathogenic. This variant has not been reported in the literature in individuals affected with ATM-related conditions. This variant is not present in population databases (ExAC no frequency). This sequence change creates a premature translational stop signal (p.Ser1983Glufs*6) in the ATM gene. It is expected to result in an absent or disrupted protein product. Loss-of-function variants in ATM are known to be pathogenic (PMID: 23807571, 25614872).

Literature cited by the submitters: PubMed 23807571; PubMed 25614872.

NM_000051.4(ATM):c.5945dup (p.Ser1983fs)

Genes: C11orf65 (chromosome 11 open reading frame 65; minus strand), ATM (ATM serine/threonine kinase; plus strand). Cytogenetic location: 11q22.3.
Variant type: Duplication.
Coding change: c.5945dup on transcript NM_000051.4 (MANE Select); coding-DNA position 5945, one base duplicated (A; older notation c.5945dupA).
Protein change: p.Ser1983fs; shifts the reading frame from serine 1983.
Molecular consequence: frameshift variant. On other transcripts: intron variant (2).
Genome position (GRCh38, 1-based): chr11:108,312,437, A duplicated. VCF-style (leftmost placement, unchanged base first): chr11-108312436-C-CA. GRCh37 (hg19) VCF-style: chr11-108183163-C-CA.
Other names: c.5945dup, p.Ser1983fs (NM_001351834.2); c.641-3366dup (NM_001330368.2); c.*39-3366dup (NM_001351110.2); short protein forms S1983fs.
Identifiers: ClinVar variation 1453549 (VCV001453549.8), dbSNP rs2136060057, ClinGen allele CA2573146437.